The following is an entry in ClinVar:

ClinVar aggregate classification (germline): Conflicting classifications of pathogenicity. Review status: criteria provided, conflicting classifications (1 of 4 stars). 3 submissions from 3 submitters: Uncertain significance (2); Benign (1). Last evaluated 2022-12-23.

Conditions:
Ovarian cancer. Also called: OVARIAN CANCER, SOMATIC. Identifiers: Orphanet 213500, MedGen C1140680, MONDO:0008170, OMIM 167000.
Hereditary nonpolyposis colorectal neoplasms. Identifiers: MedGen C0009405, MeSH D003123.
Hereditary cancer-predisposing syndrome. Also called: Neoplastic Syndromes, Hereditary; Tumor predisposition; Hereditary Cancer Syndrome; Hereditary neoplastic syndrome. Identifiers: Orphanet 140162, MedGen C0027672, MeSH D009386, MONDO:0015356.

Allele frequency attached by ClinVar (database versions not stated): TOPMed 0.00001.
gnomAD v4.1: 4 of 1,614,002 alleles (0.00025%); highest among the groups gnomAD compares: Admixed American, 0.0033%; no homozygotes.

Submissions (3):

Labcorp Genetics (formerly Invitae), Labcorp
Classification: Uncertain significance for Hereditary nonpolyposis colorectal neoplasms. Last evaluated: 2022-12-23. Review status: criteria provided, single submitter. Criteria: Invitae Variant Classification Sherloc (09022015). Collection method: clinical testing. Allele origin: germline.
Comment: In summary, the available evidence is currently insufficient to determine the role of this variant in disease. Therefore, it has been classified as a Variant of Uncertain Significance. Advanced modeling of protein sequence and biophysical properties (such as structural, functional, and spatial information, amino acid conservation, physicochemical variation, residue mobility, and thermodynamic stability) performed at Invitae indicates that this missense variant is not expected to disrupt MSH6 protein function. ClinVar contains an entry for this variant (Variation ID: 651265). This variant has not been reported in the literature in individuals affected with MSH6-related conditions. This variant is present in population databases (no rsID available, gnomAD 0.0009%). This sequence change replaces threonine, which is neutral and polar, with serine, which is neutral and polar, at codon 719 of the MSH6 protein (p.Thr719Ser).

Laboratory of Molecular Epidemiology of Birth Defects, West China Second University Hospital, Sichuan University
Classification: Benign for Ovarian cancer. Last evaluated: 2022-01-01. Review status: criteria provided, single submitter. Criteria: ACMG Guidelines, 2015. Collection method: clinical testing. Allele origin: germline. Affected: yes.

Ambry Genetics
Classification: Uncertain significance for Hereditary cancer-predisposing syndrome. Last evaluated: 2020-06-23. Review status: criteria provided, single submitter. Criteria: Ambry Variant Classification Scheme 2023. Collection method: clinical testing. Allele origin: germline.
Comment: The p.T719S variant (also known as c.2156C>G), located in coding exon 4 of the MSH6 gene, results from a C to G substitution at nucleotide position 2156. The threonine at codon 719 is replaced by serine, an amino acid with similar properties. This amino acid position is poorly conserved in available vertebrate species. In addition, this alteration is predicted to be tolerated by in silico analysis. Since supporting evidence is limited at this time, the clinical significance of this alteration remains unclear.

NM_000179.3(MSH6):c.2156C>G (p.Thr719Ser)

Gene: MSH6 (mutS homolog 6; plus strand). Cytogenetic location: 2p16.3.
Variant type: single nucleotide variant.
Coding change: c.2156C>G on transcript NM_000179.3 (MANE Select); coding-DNA position 2156, C replaced by G.
Protein change: p.Thr719Ser; replaces threonine 719 with serine.
Molecular consequence: missense variant.
Genome position (GRCh38, 1-based): chr2:47,800,139, C>G. VCF-style: chr2-47800139-C-G. GRCh37 (hg19) VCF-style: chr2-48027278-C-G.
Other names: c.1766C>G, p.Thr589Ser (NM_001281492.2); c.1250C>G, p.Thr417Ser (NM_001281493.2, NM_001281494.2); short protein forms T417S, T589S, T719S.
Identifiers: ClinVar variation 651265 (VCV000651265.12), dbSNP rs373418713, ClinGen allele CA346751133.